The following is an entry in ClinVar:

ClinVar aggregate classification (germline): Uncertain significance (1 of 4 stars; one submission).

Submission:

Labcorp Genetics (formerly Invitae), Labcorp
Classification: Uncertain significance. Last evaluated: 2021-04-17. Review status: criteria provided, single submitter. Criteria: Invitae Variant Classification Sherloc (09022015). Collection method: clinical testing. Allele origin: germline.
Comment: This variant has not been reported in the literature in individuals with IMPG2-related conditions. In summary, the available evidence is currently insufficient to determine the role of this variant in disease. Therefore, it has been classified as a Variant of Uncertain Significance. Algorithms developed to predict the effect of missense changes on protein structure and function (SIFT, PolyPhen-2, Align-GVGD) all suggest that this variant is likely to be tolerated, but these predictions have not been confirmed by published functional studies and their clinical significance is uncertain. This variant is not present in population databases (ExAC no frequency). This sequence change replaces serine with arginine at codon 483 of the IMPG2 protein (p.Ser483Arg). The serine residue is moderately conserved and there is a moderate physicochemical difference between serine and arginine.

NM_016247.4(IMPG2):c.1449C>A (p.Ser483Arg)

Gene: IMPG2 (interphotoreceptor matrix proteoglycan 2; minus strand). Cytogenetic location: 3q12.3.
Variant type: single nucleotide variant.
Coding change: c.1449C>A on transcript NM_016247.4 (MANE Select); coding-DNA position 1449, C replaced by A.
Protein change: p.Ser483Arg; replaces serine 483 with arginine.
Molecular consequence: missense variant.
Genome position (GRCh38, 1-based): chr3:101,245,896, G>T on the plus strand (C>A on the coding strand, the complement: IMPG2 is on the minus strand). VCF-style: chr3-101245896-G-T. GRCh37 (hg19) VCF-style: chr3-100964740-G-T.
Other names: short protein forms S483R.
Identifiers: ClinVar variation 1467886 (VCV001467886.8), dbSNP rs2107222122, ClinGen allele CA353862379.